The following is an entry in ClinVar:

ClinVar aggregate classification (germline): Conflicting classifications of pathogenicity. Review status: criteria provided, conflicting classifications (1 of 4 stars). 7 submissions from 7 submitters: Uncertain significance (4); Likely benign (2). 1 of the submissions does not count toward it. Last evaluated 2026-01-17.

Conditions:
RYR1-related disorder. Also called: RYR1-related disorders; RYR1-related condition. Identifiers: MedGen CN239331.
Malignant hyperthermia, susceptibility to, 1 (MHS1). Also called: Anesthesia related hyperthermia; Malignant hyperpyrexia; Fulminating hyperpyrexia; Pharmacogenic myopathy; RYR1-Related Malignant Hyperthermia Susceptibility; Malignant hyperthermia suceptibility 1. Identifiers: Orphanet 423, MedGen C2930980, MONDO:0007783, OMIM 145600.

Allele frequency attached by ClinVar (database versions not stated): gnomAD 0.00004; TOPMed 0.00021; ExAC 0.00041.
gnomAD v4.1: 97 of 1,600,486 alleles (0.0061%); highest among the groups gnomAD compares: Admixed American, 0.17%; no homozygotes.

Submissions (7):

Labcorp Genetics (formerly Invitae), Labcorp
Classification: Likely benign for RYR1-related disorder. Last evaluated: 2026-01-17. Review status: criteria provided, single submitter. Criteria: Invitae Variant Classification Sherloc (09022015). Collection method: clinical testing. Allele origin: germline.

Revvity Omics, Revvity
Classification: Uncertain significance. Last evaluated: 2023-06-27. Review status: criteria provided, single submitter. Criteria: ACMG Guidelines, 2015. Collection method: clinical testing. Allele origin: germline.

Color Diagnostics, LLC DBA Color Health
Classification: Likely benign for Malignant hyperthermia, susceptibility to, 1. Last evaluated: 2022-11-06. Review status: criteria provided, single submitter. Criteria: ACMG Guidelines, 2015. Collection method: clinical testing. Allele origin: germline.

Athena Diagnostics
Classification: Uncertain significance. Last evaluated: 2022-08-17. Review status: criteria provided, single submitter. Criteria: Athena Diagnostics Criteria. Collection method: clinical testing. Allele origin: unknown.

GeneDx
Classification: Uncertain significance. Last evaluated: 2019-04-25. Review status: criteria provided, single submitter. Criteria: GeneDx Variant Classification Process June 2021. Collection method: clinical testing. Allele origin: germline. Affected: yes.
Comment: In silico analysis, which includes protein predictors and evolutionary conservation, supports that this variant does not alter protein structure/function; Has not been previously published as pathogenic or benign to our knowledge

Eurofins Ntd Llc (ga)
Classification: Uncertain significance. Last evaluated: 2017-11-18. Review status: criteria provided, single submitter. Criteria: EGL Classification Definitions 2015. Collection method: clinical testing. Allele origin: germline. Observed: 1 variant allele, 1 heterozygote.

PreventionGenetics, part of Exact Sciences
Classification: Uncertain significance for RYR1-related condition. Last evaluated: 2024-09-04. Review status: no assertion criteria provided. Collection method: clinical testing. Allele origin: germline. Not counted in ClinVar's aggregate classification.
Comment: The RYR1 c.13498G>A variant is predicted to result in the amino acid substitution p.Glu4500Lys. This variant is reported in 0.23% of alleles in individuals of Latino descent in gnomAD, which is likely too frequent to be a primary cause of autosomal dominant disorders. Although we suspect that this variant may be benign, at this time, the clinical significance of this variant is uncertain due to the absence of conclusive functional and genetic evidence.

NM_000540.3(RYR1):c.13498G>A (p.Glu4500Lys)

Gene: RYR1 (ryanodine receptor 1; plus strand). Cytogenetic location: 19q13.2.
Variant type: single nucleotide variant.
Coding change: c.13498G>A on transcript NM_000540.3 (MANE Select); coding-DNA position 13498, G replaced by A.
Protein change: p.Glu4500Lys; replaces glutamic acid 4500 with lysine.
Molecular consequence: missense variant.
Genome position (GRCh38, 1-based): chr19:38,566,971, G>A. VCF-style: chr19-38566971-G-A. GRCh37 (hg19) VCF-style: chr19-39057611-G-A.
Other names: c.13483G>A, p.Glu4495Lys (NM_001042723.2); short protein forms E4500K, E4495K.
Identifiers: ClinVar variation 497343 (VCV000497343.24), dbSNP rs752192756, ClinGen allele CA059961.
Genomic context (GRCh38, chr19:38,566,971, plus strand): 5'-GTGGATGGAGTGGAGGAGGAGCTCCCGCCAGAGCCAGAGCCCGAGCCGGAACCAGAGCTG[G>A]AGCCGGAGAAAGCCGAGTGAGTGGCCTTGGGGCTGAGGGGCCTAGCCCCTATCACTGCCT-3'
Protein context (NP_000531.2, residues 4490-4510): EPEPEPEPEL[Glu4500Lys]PEKADAENGE